The following is an entry in ClinVar:

ClinVar aggregate classification (germline): Uncertain significance. Review status: criteria provided, multiple submitters, no conflicts (2 of 4 stars). 2 submissions from 2 submitters: Uncertain significance (2). Last evaluated 2023-07-28.

Allele frequency attached by ClinVar (database versions not stated): gnomAD exomes below 0.00001; gnomAD 0.00001 and 0.00005; TOPMed 0.00001.
gnomAD v4.1: 3 of 1,209,980 alleles (0.00025%); highest among the groups gnomAD compares: African/African-American, 0.0052%; no homozygotes.

Submissions (2):

GeneDx
Classification: Uncertain significance. Last evaluated: 2023-07-28. Review status: criteria provided, single submitter. Criteria: GeneDx Variant Classification Process June 2021. Collection method: clinical testing. Allele origin: germline. Affected: yes.
Comment: Has been reported as a variant of uncertain significance in an individual with epilepsy, hypotonia and an abnormal MRI (Butler et al., 2017); In silico analysis supports that this missense variant has a deleterious effect on protein structure/function; This variant is associated with the following publications: (PMID: 29056246)

Eurofins Ntd Llc (ga)
Classification: Uncertain significance. Last evaluated: 2015-11-24. Review status: criteria provided, single submitter. Criteria: EGL Classification Definitions 2015. Collection method: clinical testing. Allele origin: germline. Observed: 1 variant allele, 1 heterozygote.

NM_001110556.2(FLNA):c.4237G>A (p.Glu1413Lys)

Gene: FLNA (filamin A; minus strand). Cytogenetic location: Xq28.
Variant type: single nucleotide variant.
Coding change: c.4237G>A on transcript NM_001110556.2 (MANE Select); coding-DNA position 4237, G replaced by A.
Protein change: p.Glu1413Lys; replaces glutamic acid 1413 with lysine.
Molecular consequence: missense variant.
Genome position (GRCh38, 1-based): chrX:154,359,312, C>T on the plus strand (G>A on the coding strand, the complement: FLNA is on the minus strand). VCF-style: chrX-154359312-C-T. GRCh37 (hg19) VCF-style: chrX-153587680-C-T.
Other names: c.4237G>A, p.Glu1413Lys (NM_001456.4); c.4237G>A (NM_001456.3); short protein forms E1413K.
Identifiers: ClinVar variation 284711 (VCV000284711.6), dbSNP rs886044833, ClinGen allele CA10604881.